The following is an entry in ClinVar:

ClinVar aggregate classification (germline): Uncertain significance (1 of 4 stars; one submission).

Allele frequency attached by ClinVar (database versions not stated): TOPMed below 0.00001; gnomAD 0.00001; gnomAD exomes below 0.00001.
gnomAD v4.1: 3 of 1,613,852 alleles (0.00019%); highest among the groups gnomAD compares: Non-Finnish European, 0.000085%; no homozygotes.

Submission:

Labcorp Genetics (formerly Invitae), Labcorp
Classification: Uncertain significance. Last evaluated: 2022-09-25. Review status: criteria provided, single submitter. Criteria: Invitae Variant Classification Sherloc (09022015). Collection method: clinical testing. Allele origin: germline.
Comment: ClinVar contains an entry for this variant (Variation ID: 1449662). Advanced modeling of protein sequence and biophysical properties (such as structural, functional, and spatial information, amino acid conservation, physicochemical variation, residue mobility, and thermodynamic stability) performed at Invitae indicates that this missense variant is not expected to disrupt SCN3A protein function. In summary, the available evidence is currently insufficient to determine the role of this variant in disease. Therefore, it has been classified as a Variant of Uncertain Significance. This variant has not been reported in the literature in individuals affected with SCN3A-related conditions. This sequence change replaces arginine, which is basic and polar, with lysine, which is basic and polar, at codon 1877 of the SCN3A protein (p.Arg1877Lys). This variant is not present in population databases (gnomAD no frequency).

NM_006922.4(SCN3A):c.5630G>A (p.Arg1877Lys)

Gene: SCN3A (sodium voltage-gated channel alpha subunit 3; minus strand). Cytogenetic location: 2q24.3.
Variant type: single nucleotide variant.
Coding change: c.5630G>A on transcript NM_006922.4 (MANE Select); coding-DNA position 5630, G replaced by A.
Protein change: p.Arg1877Lys; replaces arginine 1877 with lysine.
Molecular consequence: missense variant.
Genome position (GRCh38, 1-based): chr2:165,090,523, C>T on the plus strand (G>A on the coding strand, the complement: SCN3A is on the minus strand). VCF-style: chr2-165090523-C-T. GRCh37 (hg19) VCF-style: chr2-165947033-C-T.
Other names: c.5483G>A, p.Arg1828Lys (NM_001081676.2, NM_001081677.2); short protein forms R1828K, R1877K.
Identifiers: ClinVar variation 1449662 (VCV001449662.8), dbSNP rs1259899127, ClinGen allele CA349010751.